The following is an entry in ClinVar:

NM_003480.4(MFAP5):c.353T>C (p.Ile118Thr)

Gene: MFAP5 (microfibril associated protein 5; minus strand). Cytogenetic location: 12p13.31.
Variant type: single nucleotide variant.
Coding change: c.353T>C on transcript NM_003480.4 (MANE Select); coding-DNA position 353, T replaced by C.
Protein change: p.Ile118Thr; replaces isoleucine 118 with threonine.
Molecular consequence: missense variant. On other transcripts: non-coding transcript variant (2), intron variant (1).
Genome position (GRCh38, 1-based): chr12:8,649,557, A>G on the plus strand (T>C on the coding strand, the complement: MFAP5 is on the minus strand). VCF-style: chr12-8649557-A-G. GRCh37 (hg19) VCF-style: chr12-8802153-A-G.
Other names: c.323T>C, p.Ile108Thr (NM_001297709.2); c.287T>C, p.Ile96Thr (NM_001297710.2); c.278T>C, p.Ile93Thr (NM_001297711.2); c.218-1354T>C (NM_001297712.2); short protein forms I93T, I96T, I108T, I118T.
Identifiers: ClinVar variation 1732454 (VCV001732454.2), dbSNP rs1941776470, ClinGen allele CA384038940.
Genomic context (GRCh38, chr12:8,649,557, plus strand): 5'-TTACCTTTCATAGCTTCGTGTTCCTTACAGACAAGACGAGAGCAGATCTCCTTGTTGACG[A>G]TGTACATACGTCGTAAACTGCAGACGTCCCAGTGTCATAGGCAAGGAAGGAGATGGAAGA-3'
Protein context (NP_003471.1, residues 108-128): LCFTSLRRMY[Ile118Thr]VNKEICSRLV

ClinVar aggregate classification (germline): Uncertain significance (1 of 4 stars; one submission).

Conditions:
Cardiovascular phenotype. Identifiers: MedGen CN230736.

Allele frequency attached by ClinVar (database versions not stated): gnomAD exomes below 0.00001.
gnomAD v4.1: 2 of 1,614,030 alleles (0.00012%); highest among the groups gnomAD compares: South Asian, 0.0022%; no homozygotes.

Submission:

Ambry Genetics
Classification: Uncertain significance for Cardiovascular phenotype. Last evaluated: 2022-06-06. Review status: criteria provided, single submitter. Criteria: Ambry Variant Classification Scheme 2023. Collection method: clinical testing. Allele origin: germline.
Comment: The p.I118T variant (also known as c.353T>C), located in coding exon 8 of the MFAP5 gene, results from a T to C substitution at nucleotide position 353. The isoleucine at codon 118 is replaced by threonine, an amino acid with similar properties. This amino acid position is conserved. In addition, the in silico prediction for this alteration is inconclusive. Since supporting evidence is limited at this time, the clinical significance of this alteration remains unclear.